The following is an entry in ClinVar:

ClinVar aggregate classification (germline): Benign. Review status: criteria provided, multiple submitters, no conflicts (2 of 4 stars). 2 submissions from 2 submitters: Benign (2). Last evaluated 2018-06-14.

Allele frequency attached by ClinVar (database versions not stated): 1000 Genomes Project 30x 0.51093; gnomAD 0.57152 and 0.57281; gnomAD exomes 0.62131; TOPMed 0.56132; 1000 Genomes Project 0.50599.
gnomAD v4.1: 212,502 of 353,950 alleles (60%); highest among the groups gnomAD compares: Admixed American, 67%; 65,849 homozygotes.

Submissions (2):

GeneDx
Classification: Benign. Last evaluated: 2018-06-14. Review status: criteria provided, single submitter. Criteria: GeneDx Variant Classification (06012015). Collection method: clinical testing. Allele origin: germline. Affected: yes.
Comment: This variant is considered likely benign or benign based on one or more of the following criteria: it is a conservative change, it occurs at a poorly conserved position in the protein, it is predicted to be benign by multiple in silico algorithms, and/or has population frequency not consistent with disease.

Breakthrough Genomics
Classification: Benign. Review status: criteria provided, single submitter. Criteria: ACMG Guidelines, 2015. Collection method: not provided. Allele origin: germline. Inheritance: Autosomal recessive inheritance. Affected: yes.

NM_182476.3(COQ6):c.481+292T>C

Genes: COQ6 (coenzyme Q6, monooxygenase; plus strand), ENTPD5 (ectonucleoside triphosphate diphosphohydrolase 5; minus strand). Cytogenetic location: 14q24.3.
Variant type: single nucleotide variant.
Coding change: c.481+292T>C on transcript NM_182476.3 (MANE Select); 292 bases into the intron after coding-DNA position 481, T replaced by C.
Molecular consequence: intron variant.
Genome position (GRCh38, 1-based): chr14:73,956,220, T>C. VCF-style: chr14-73956220-T-C. GRCh37 (hg19) VCF-style: chr14-74422923-T-C.
Other names: c.406+292T>C (NM_001425258.1, NM_182480.3); c.256+292T>C (NM_001425259.1, NM_001425261.1, NM_001425260.1); c.154+292T>C (NM_001425263.1); c.481+292T>C (NM_001425255.1, NM_001425256.1); c.72+292T>C (NM_001425265.1, NM_001425264.1); c.357+711T>C (NM_001425262.1); c.316+292T>C (NM_001425257.1); c.1201-633A>G (NM_001382258.1); and 1 more.
Identifiers: ClinVar variation 683566 (VCV000683566.4), dbSNP rs1985969, ClinGen allele CA13942824.